The following is an entry in ClinVar:

NM_003172.4(SURF1):c.808_822dup (p.Glu270_Tyr274dup)

Gene: SURF1 (SURF1 cytochrome c oxidase assembly factor; minus strand). Cytogenetic location: 9q34.2.
Variant type: Duplication.
Coding change: c.808_822dup on transcript NM_003172.4 (MANE Select); coding-DNA positions 808 to 822, 15 bases duplicated (GAGCATCTGCAGTAC).
Protein change: p.Glu270_Tyr274dup.
Molecular consequence: inframe insertion.
Genome position (GRCh38, 1-based): chr9:133,352,072-133,352,086, GTACTGCAGATGCTC duplicated on the plus strand (GAGCATCTGCAGTAC on the coding strand, the reverse complement: SURF1 is on the minus strand); duplicating any 15 consecutive bases within chr9:133,352,072-133,352,088 gives the same sequence; the c. name uses the placement nearest the transcript's 3' end. VCF-style (leftmost placement, unchanged base first): chr9-133352071-T-TGTACTGCAGATGCTC. GRCh37 (hg19) VCF-style: chr9-136218926-T-TGTACTGCAGATGCTC.
Other names: c.481_495dup, p.Glu161_Tyr165dup (NM_001280787.1).
Identifiers: ClinVar variation 419972 (VCV000419972.3), dbSNP rs782788600, ClinGen allele CA16618781.

ClinVar aggregate classification (germline): Likely pathogenic. Review status: criteria provided, multiple submitters, no conflicts (2 of 4 stars). 2 submissions from 2 submitters: Likely pathogenic (2). Last evaluated 2022-03-02.

Conditions:
Mitochondrial complex IV deficiency, nuclear type 1 (MC4DN1). Also called: COX DEFICIENCY; Mitochondrial complex IV deficiency; Complex 4 mitochondrial respiratory chain deficiency; Deficiency of mitochondrial respiratory chain complex4; Complex IV deficiency. Identifiers: MedGen C5435656, MONDO:0700250, OMIM 220110. Disease mechanism: loss of function.
Charcot-Marie-Tooth disease type 4K. Also called: CHARCOT-MARIE-TOOTH DISEASE, DEMYELINATING, AUTOSOMAL RECESSIVE, TYPE 4K; CHARCOT-MARIE-TOOTH NEUROPATHY, DEMYELINATING, AUTOSOMAL RECESSIVE, TYPE 4K; CHARCOT-MARIE-TOOTH DISEASE, DEMYELINATING, TYPE 4K. Identifiers: Orphanet 391351, MedGen C4225246, MONDO:0014733, OMIM 616684.

Submissions (2):

Fulgent Genetics
Classification: Likely pathogenic for Mitochondrial complex IV deficiency, nuclear type 1; Charcot-Marie-Tooth disease type 4K. Last evaluated: 2022-03-02. Review status: criteria provided, single submitter. Criteria: ACMG Guidelines, 2015. Collection method: clinical testing. Allele origin: unknown.

GeneDx
Classification: Likely pathogenic. Last evaluated: 2017-01-27. Review status: criteria provided, single submitter. Criteria: GeneDx Variant Classification (06012015). Collection method: clinical testing. Allele origin: germline. Affected: yes.
Comment: The c.808_822dup15 variant in the SURF1 gene has been reported previously in trans with another SURF1 variant in an individual with Leigh syndrome (Moslemi et al., 2003). The c.808_822dup15 variant causes an in-frame duplication of five amino acids starting with codon Glutamic acid 270, denoted p. Glu270_Tyr274dup. Four of the duplicated residues are conserved across species (Glu270, His271, Gln273, Tyr274), and for the Leu272 residue, amino acids with similar properties to Leucine are tolerated across species. The c.808_822dup15 variant was not observed in approximately 6,500 individuals of European and African American ancestry in the NHLBI Exome Sequencing Project, indicating it is not a common benign variant in these populations. Therefore, we interpret c.808_822dup15 as a likely pathogenic variant.